The following is an entry in ClinVar:

NM_006384.4(CIB1):c.536G>T (p.Arg179Leu)

Gene: CIB1 (calcium and integrin binding 1; minus strand). Cytogenetic location: 15q26.1.
Variant type: single nucleotide variant.
Coding change: c.536G>T on transcript NM_006384.4 (MANE Select); coding-DNA position 536, G replaced by T.
Protein change: p.Arg179Leu; replaces arginine 179 with leucine.
Molecular consequence: missense variant. On other transcripts: non-coding transcript variant (2).
Genome position (GRCh38, 1-based): chr15:90,230,952, C>A on the plus strand (G>T on the coding strand, the complement: CIB1 is on the minus strand). VCF-style: chr15-90230952-C-A. GRCh37 (hg19) VCF-style: chr15-90774184-C-A.
Other names: c.656G>T, p.Arg219Leu (NM_001277764.2); short protein forms R219L, R179L.
Identifiers: ClinVar variation 2022855 (VCV002022855.1), dbSNP rs145803459, ClinGen allele CA7734132.

ClinVar aggregate classification (germline): Uncertain significance (1 of 4 stars; one submission).

gnomAD v4.1: 3 of 1,613,908 alleles (0.00019%); highest among the groups gnomAD compares: African/African-American, 0.004%; no homozygotes.

Submission:

Labcorp Genetics (formerly Invitae), Labcorp
Classification: Uncertain significance. Last evaluated: 2022-06-24. Review status: criteria provided, single submitter. Criteria: Invitae Variant Classification Sherloc (09022015). Collection method: clinical testing. Allele origin: germline.
Comment: This sequence change replaces arginine, which is basic and polar, with leucine, which is neutral and non-polar, at codon 219 of the CIB1 protein (p.Arg219Leu). This variant is present in population databases (rs145803459, gnomAD 0.008%). This variant has not been reported in the literature in individuals affected with CIB1-related conditions. Algorithms developed to predict the effect of missense changes on protein structure and function are either unavailable or do not agree on the potential impact of this missense change (SIFT: "Deleterious"; PolyPhen-2: "Not Available"; Align-GVGD: "Class C65"). In summary, the available evidence is currently insufficient to determine the role of this variant in disease. Therefore, it has been classified as a Variant of Uncertain Significance.